The following is an entry in ClinVar:

NM_021005.4(NR2F2):c.1103C>G (p.Pro368Arg)

Gene: NR2F2 (nuclear receptor subfamily 2 group F member 2; plus strand). Cytogenetic location: 15q26.2.
Variant type: single nucleotide variant.
Coding change: c.1103C>G on transcript NM_021005.4 (MANE Select); coding-DNA position 1103, C replaced by G.
Protein change: p.Pro368Arg; replaces proline 368 with arginine.
Molecular consequence: missense variant.
Genome position (GRCh38, 1-based): chr15:96,337,480, C>G. VCF-style: chr15-96337480-C-G. GRCh37 (hg19) VCF-style: chr15-96880709-C-G.
Other names: c.704C>G, p.Pro235Arg (NM_001145155.2); c.644C>G, p.Pro215Arg (NM_001145156.1, NM_001145157.2); short protein forms P215R, P235R, P368R.
Identifiers: ClinVar variation 2631321 (VCV002631321.1), dbSNP rs2505780179, ClinGen allele CA393931900.

ClinVar aggregate classification (germline): Uncertain significance (1 of 4 stars; one submission).

Conditions:
NR2F2-related disorder. Also called: NR2F2-related condition.

Submission:

PreventionGenetics, part of Exact Sciences
Classification: Uncertain significance for NR2F2-related condition. Last evaluated: 2023-10-02. Review status: criteria provided, single submitter. Criteria: ACMG Guidelines, 2015. Collection method: clinical testing. Allele origin: germline.
Comment: The NR2F2 c.1103C>G variant is predicted to result in the amino acid substitution p.Pro368Arg. To our knowledge, this variant has not been reported in the literature or in a large population database, indicating this variant is rare. At this time, the clinical significance of this variant is uncertain due to the absence of conclusive functional and genetic evidence.